The following is an entry in ClinVar:

ClinVar aggregate classification (germline): Uncertain significance (1 of 4 stars; one submission).

Submission:

Labcorp Genetics (formerly Invitae), Labcorp
Classification: Uncertain significance. Last evaluated: 2022-03-09. Review status: criteria provided, single submitter. Criteria: Invitae Variant Classification Sherloc (09022015). Collection method: clinical testing. Allele origin: germline.
Comment: In summary, the available evidence is currently insufficient to determine the role of this variant in disease. Therefore, it has been classified as a Variant of Uncertain Significance. Algorithms developed to predict the effect of missense changes on protein structure and function output the following: SIFT: "Tolerated"; PolyPhen-2: "Benign"; Align-GVGD: "Class C0". The threonine amino acid residue is found in multiple mammalian species, which suggests that this missense change does not adversely affect protein function. ClinVar contains an entry for this variant (Variation ID: 959830). This variant has not been reported in the literature in individuals affected with RAX2-related conditions. This variant is not present in population databases (gnomAD no frequency). This sequence change replaces alanine, which is neutral and non-polar, with threonine, which is neutral and polar, at codon 22 of the RAX2 protein (p.Ala22Thr).

NM_001319074.4(RAX2):c.64G>A (p.Ala22Thr)

Gene: RAX2 (retina and anterior neural fold homeobox 2; minus strand). Cytogenetic location: 19p13.3.
Variant type: single nucleotide variant.
Coding change: c.64G>A on transcript NM_001319074.4 (MANE Select); coding-DNA position 64, G replaced by A.
Protein change: p.Ala22Thr; replaces alanine 22 with threonine.
Molecular consequence: missense variant.
Genome position (GRCh38, 1-based): chr19:3,771,679, C>T on the plus strand (G>A on the coding strand, the complement: RAX2 is on the minus strand). VCF-style: chr19-3771679-C-T. GRCh37 (hg19) VCF-style: chr19-3771677-C-T.
Other names: c.64G>A, p.Ala22Thr (NM_032753.4); short protein forms A22T.
Identifiers: ClinVar variation 959830 (VCV000959830.10), dbSNP rs2037264583, ClinGen allele CA403376013.